The following is an entry in ClinVar:

NM_020975.6(RET):c.2991G>A (p.Val997=)

Gene: RET (ret proto-oncogene; plus strand). Cytogenetic location: 10q11.21.
Variant type: single nucleotide variant.
Coding change: c.2991G>A on transcript NM_020975.6 (MANE Select); coding-DNA position 2991, G replaced by A.
Protein change: p.Val997=; no amino-acid change (valine 997 retained).
Molecular consequence: synonymous variant.
Genome position (GRCh38, 1-based): chr10:43,124,934, G>A. VCF-style: chr10-43124934-G-A. GRCh37 (hg19) VCF-style: chr10-43620382-G-A.
Other names: c.2991G>A, p.Val997= (NM_000323.2, NM_001406743.1, NM_001406744.1 and 4 more transcripts); c.2229G>A, p.Val743= (NM_001355216.2); c.2862G>A, p.Val954= (NM_001406761.1, NM_001406762.1, NM_001406764.1); c.2856G>A, p.Val952= (NM_001406763.1, NM_001406765.1); c.2703G>A, p.Val901= (NM_001406766.1, NM_001406767.1, NM_001406770.1); c.2727G>A, p.Val909= (NM_001406768.1); c.2595G>A, p.Val865= (NM_001406769.1, NM_001406772.1); c.2553G>A, p.Val851= (NM_001406771.1, NM_001406773.1); and 10 more.
Identifiers: ClinVar variation 1096240 (VCV001096240.13), dbSNP rs1564501216, ClinGen allele CA469031485.

ClinVar aggregate classification (germline): Likely benign. Review status: criteria provided, multiple submitters, no conflicts (2 of 4 stars). 4 submissions from 4 submitters: Likely benign (4). Last evaluated 2024-05-15.

Conditions:
Hereditary cancer-predisposing syndrome. Also called: Tumor predisposition; Hereditary neoplastic syndrome; Hereditary Cancer Syndrome; Neoplastic Syndromes, Hereditary. Identifiers: Orphanet 140162, MedGen C0027672, MeSH D009386, MONDO:0015356.
Multiple endocrine neoplasia, type 2 (MEN2). Identifiers: Orphanet 653, MedGen C4048306, MONDO:0019003. Disease mechanism: gain of function.

Allele frequency attached by ClinVar (database versions not stated): gnomAD exomes below 0.00001.
gnomAD v4.1: 4 of 1,614,232 alleles (0.00025%); highest among the groups gnomAD compares: Non-Finnish European, 0.00017%; no homozygotes.

Submissions (4):

Labcorp Genetics (formerly Invitae), Labcorp
Classification: Likely benign for Multiple endocrine neoplasia, type 2. Last evaluated: 2024-05-15. Review status: criteria provided, single submitter. Criteria: Invitae Variant Classification Sherloc (09022015). Collection method: clinical testing. Allele origin: germline.

All of Us Research Program, National Institutes of Health
Classification: Likely benign for Multiple endocrine neoplasia, type 2. Last evaluated: 2024-01-08. Review status: criteria provided, single submitter. Criteria: ACMG Guidelines, 2015. Collection method: clinical testing. Allele origin: germline. Inheritance: Autosomal dominant inheritance. Observed: 1 variant allele, 1 heterozygote.
Comment: This study involves interpretation of variants in research participants for the purpose of population health screening. Participant phenotype was not available at the time of variant classification. Additional details can be found in publication PMID: 35346344, PMCID: PMC8962531

Color Diagnostics, LLC DBA Color Health
Classification: Likely benign for Multiple endocrine neoplasia, type 2. Last evaluated: 2023-11-08. Review status: criteria provided, single submitter. Criteria: ACMG Guidelines, 2015. Collection method: clinical testing. Allele origin: germline.

Ambry Genetics
Classification: Likely benign for Hereditary cancer-predisposing syndrome. Last evaluated: 2022-12-25. Review status: criteria provided, single submitter. Criteria: Ambry Variant Classification Scheme 2023. Collection method: clinical testing. Allele origin: germline.